The following is an entry in ClinVar:

ClinVar aggregate classification (germline): Benign/Likely benign. Review status: criteria provided, multiple submitters, no conflicts (2 of 4 stars). 5 submissions from 5 submitters: Benign (3); Likely benign (2). Last evaluated 2026-02-03.

Conditions:
Developmental and epileptic encephalopathy, 69. Also called: EPILEPTIC ENCEPHALOPATHY, EARLY INFANTILE, 69. Identifiers: MedGen C4748988, MONDO:0032657, OMIM 618285.

Allele frequency attached by ClinVar (database versions not stated): 1000 Genomes Project 30x 0.00016; TOPMed 0.00025; ESP Exome Variant Server 0.00040; gnomAD exomes 0.00051 and 0.00085; gnomAD 0.00068 and 0.00072; ExAC 0.00085.
gnomAD v4.1: 819 of 1,545,262 alleles (0.053%); highest among the groups gnomAD compares: Non-Finnish European, 0.038%; 2 homozygotes.

Submissions (5):

Labcorp Genetics (formerly Invitae), Labcorp
Classification: Benign. Last evaluated: 2026-02-03. Review status: criteria provided, single submitter. Criteria: Invitae Variant Classification Sherloc (09022015). Collection method: clinical testing. Allele origin: germline.

CeGaT Center for Human Genetics Tuebingen
Classification: Likely benign. Last evaluated: 2025-08-01. Review status: criteria provided, single submitter. Criteria: CeGaT Center For Human Genetics Tuebingen Variant Classification Criteria Version 2. Collection method: clinical testing. Allele origin: germline. Affected: yes. Observed: 3 variant alleles.
Comment: CACNA1E: BP4, BP7

Blueprint Genetics
Classification: Likely benign. Last evaluated: 2024-11-19. Review status: criteria provided, single submitter. Criteria: ACMG Guidelines, 2015. Collection method: clinical testing. Allele origin: germline.

Genome-Nilou Lab
Classification: Benign for Developmental and epileptic encephalopathy, 69. Last evaluated: 2023-04-11. Review status: criteria provided, single submitter. Criteria: ACMG Guidelines, 2015. Collection method: clinical testing. Allele origin: germline. Affected: no.

GeneDx
Classification: Benign. Last evaluated: 2021-05-29. Review status: criteria provided, single submitter. Criteria: GeneDx Variant Classification Process June 2021. Collection method: clinical testing. Allele origin: germline. Affected: yes.

NM_001205293.3(CACNA1E):c.2967G>A (p.Val989=)

Gene: CACNA1E (calcium voltage-gated channel subunit alpha1 E; plus strand). Cytogenetic location: 1q25.3.
Variant type: single nucleotide variant.
Coding change: c.2967G>A on transcript NM_001205293.3 (MANE Select); coding-DNA position 2967, G replaced by A.
Protein change: p.Val989=; no amino-acid change (valine 989 retained).
Molecular consequence: synonymous variant.
Genome position (GRCh38, 1-based): chr1:181,733,455, G>A. VCF-style: chr1-181733455-G-A. GRCh37 (hg19) VCF-style: chr1-181702591-G-A.
Other names: c.2967G>A, p.Val989= (NM_000721.4); c.2910G>A, p.Val970= (NM_001205294.2).
Identifiers: ClinVar variation 1236232 (VCV001236232.35), dbSNP rs375018770, ClinGen allele CA1275446.
Genomic context (GRCh38, chr1:181,733,455, plus strand): 5'-ACAGCGTCTGAGCACCAGCTCTCTCTTCCTCTCTCTTCACAGGACCAACAGTCTGATGGT[G>A]TCCAGAGGCTCCGGGCTGGCAGGAGGCCTTGATGAGGCTGACACCCCCCTAGTCCTGCCC-3'
Protein context (NP_001192222.1, residues 979-999): QDLRRTNSLM[Val989=]SRGSGLAGGL